The following is an entry in ClinVar:

NM_005609.4(PYGM):c.1870G>A (p.Val624Ile)

Gene: PYGM (glycogen phosphorylase, muscle associated; minus strand). Cytogenetic location: 11q13.1.
Variant type: single nucleotide variant.
Coding change: c.1870G>A on transcript NM_005609.4 (MANE Select); coding-DNA position 1870, G replaced by A.
Protein change: p.Val624Ile; replaces valine 624 with isoleucine.
Molecular consequence: missense variant.
Genome position (GRCh38, 1-based): chr11:64,751,424, C>T on the plus strand (G>A on the coding strand, the complement: PYGM is on the minus strand). VCF-style: chr11-64751424-C-T. GRCh37 (hg19) VCF-style: chr11-64518896-C-T.
Other names: c.1606G>A, p.Val536Ile (NM_001164716.1); short protein forms V624I, V536I.
Identifiers: ClinVar variation 259833 (VCV000259833.44), dbSNP rs143217651, ClinGen allele CA6079690.
Genomic context (GRCh38, chr11:64,751,424, plus strand): 5'-TGACACGGAGGCGGTCACCCACTGCCGGGTCATGGTTGACCACATCCCCGATGGCTGTGA[C>T]GAGTCTGATGATCATCTTGGCCATGTGGTACCCAGGTGCAGCCTGAGGGGACAAAGTCTG-3'
Protein context (NP_005600.1, residues 614-634): YHMAKMIIRL[Val624Ile]TAIGDVVNHD

ClinVar aggregate classification (germline): Conflicting classifications of pathogenicity. Review status: criteria provided, conflicting classifications (1 of 4 stars). 7 submissions from 7 submitters: Uncertain significance (1); Likely benign (5). 1 of the submissions does not count toward it. Last evaluated 2026-02-01.

Conditions:
Glycogen storage disease, type V (GSD5). Also called: MCARDLE DISEASE; MUSCLE GLYCOGEN PHOSPHORYLASE DEFICIENCY; MYOPHOSPHORYLASE DEFICIENCY; PYGM DEFICIENCY; McArdle type glycogen storage disease. Identifiers: Orphanet 368, MedGen C0017924, MONDO:0009293, OMIM 232600.

Allele frequency attached by ClinVar (database versions not stated): gnomAD 0.00025 and 0.00026; gnomAD exomes 0.00028 and 0.00058; TOPMed 0.00032; ExAC 0.00052; ESP Exome Variant Server 0.00062.
gnomAD v4.1: 487 of 1,614,050 alleles (0.03%); highest among the groups gnomAD compares: Admixed American, 0.03%; 1 homozygote.

Submissions (7):

Labcorp Genetics (formerly Invitae), Labcorp
Classification: Likely benign for Glycogen storage disease, type V. Last evaluated: 2026-02-01. Review status: criteria provided, single submitter. Criteria: Invitae Variant Classification Sherloc (09022015). Collection method: clinical testing. Allele origin: germline.

Blueprint Genetics
Classification: Likely benign. Last evaluated: 2024-02-27. Review status: criteria provided, single submitter. Criteria: ACMG Guidelines, 2015. Collection method: clinical testing. Allele origin: germline.

CeGaT Center for Human Genetics Tuebingen
Classification: Likely benign. Last evaluated: 2023-07-01. Review status: criteria provided, single submitter. Criteria: CeGaT Center For Human Genetics Tuebingen Variant Classification Criteria Version 2. Collection method: clinical testing. Allele origin: germline. Affected: yes. Observed: 1 variant allele.
Comment: PYGM: BP4, BS2

GeneDx
Classification: Likely benign. Last evaluated: 2021-08-20. Review status: criteria provided, single submitter. Criteria: GeneDx Variant Classification Process June 2021. Collection method: clinical testing. Allele origin: germline. Affected: yes.
Comment: This variant is associated with the following publications: (PMID: 26907767)

Illumina Laboratory Services, Illumina
Classification: Uncertain significance for Glycogen storage disease, type V. Last evaluated: 2018-01-12. Review status: criteria provided, single submitter. Criteria: ICSL Variant Classification Criteria 13 December 2019. Collection method: clinical testing. Allele origin: germline.

PreventionGenetics, part of Exact Sciences
Classification: Likely benign. Review status: criteria provided, single submitter. Criteria: ACMG Guidelines, 2015. Collection method: clinical testing. Allele origin: germline.

Natera, Inc.
Classification: Likely benign for Glycogen storage disease V. Last evaluated: 2020-01-07. Review status: no assertion criteria provided. Collection method: clinical testing. Allele origin: germline. Not counted in ClinVar's aggregate classification.